The following is an entry in ClinVar:

NM_000312.4(PROC):c.170G>A (p.Arg57Gln)

Gene: PROC (protein C, inactivator of coagulation factors Va and VIIIa; plus strand). Cytogenetic location: 2q14.3.
Variant type: single nucleotide variant.
Coding change: c.170G>A on transcript NM_000312.4 (MANE Select); coding-DNA position 170, G replaced by A.
Protein change: p.Arg57Gln; replaces arginine 57 with glutamine.
Molecular consequence: missense variant.
Genome position (GRCh38, 1-based): chr2:127,421,382, G>A. VCF-style: chr2-127421382-G-A. GRCh37 (hg19) VCF-style: chr2-128178958-G-A.
Other names: c.353G>A, p.Arg118Gln (NM_001375602.1); c.233G>A, p.Arg78Gln (NM_001375603.1, NM_001375604.1, NM_001375606.1); c.170G>A, p.Arg57Gln (NM_001375605.1, NM_001375608.1, NM_001375611.1 and 1 more transcripts); c.254G>A, p.Arg85Gln (NM_001375607.1); c.146G>A, p.Arg49Gln (NM_001375609.1); c.164G>A, p.Arg55Gln (NM_001375610.1); short protein forms R118Q, R85Q, R49Q, R55Q, R78Q, R57Q.
Identifiers: ClinVar variation 4747027 (VCV004747027.1).

ClinVar aggregate classification (germline): Uncertain significance (1 of 4 stars; one submission).

Conditions:
Thrombophilia due to protein C deficiency, autosomal dominant. Also called: PROC DEFICIENCY, AUTOSOMAL DOMINANT; PROTEIN C DEFICIENCY, AUTOSOMAL DOMINANT. Identifiers: Orphanet 745, MedGen C2674321, MONDO:0008316, OMIM 176860. Disease mechanism: loss of function.

Submission:

Labcorp Genetics (formerly Invitae), Labcorp
Classification: Uncertain significance for Thrombophilia due to protein C deficiency, autosomal dominant. Last evaluated: 2025-03-23. Review status: criteria provided, single submitter. Criteria: Invitae Variant Classification Sherloc (09022015). Collection method: clinical testing. Allele origin: germline.
Comment: This sequence change replaces arginine, which is basic and polar, with glutamine, which is neutral and polar, at codon 57 of the PROC protein (p.Arg57Gln). This variant is present in population databases (rs574949343, gnomAD 0.003%). This missense change has been observed in individual(s) with protein C deficiency (PMID: 7951255). This variant is also known as c.1432G>A (p.Arg15Gln). An algorithm developed to predict the effect of missense changes on protein structure and function (PolyPhen-2) suggests that this variant is likely to be disruptive. This variant disrupts the p.Arg57 amino acid residue in PROC. Other variant(s) that disrupt this residue have been determined to be pathogenic (PMID: 7482420, 7792728, 8446940, 8499568, 14642106). This suggests that this residue is clinically significant, and that variants that disrupt this residue are likely to be disease-causing. In summary, the available evidence is currently insufficient to determine the role of this variant in disease. Therefore, it has been classified as a Variant of Uncertain Significance.

Literature cited by the submitters: PubMed 7951255; PubMed 7482420; PubMed 7792728; PubMed 8446940; PubMed 8499568; PubMed 14642106.